The following is an entry in ClinVar:

ClinVar aggregate classification (germline): Conflicting classifications of pathogenicity. Review status: criteria provided, conflicting classifications (1 of 4 stars). 10 submissions from 10 submitters: Uncertain significance (4); Benign (1); Likely benign (1). 4 of the submissions do not count toward it. Last evaluated 2026-01-25.

Conditions:
ABCA4-related disorder. Also called: ABCA4-related condition; ABCA4-related disorders. Identifiers: MedGen CN239167.
Retinal dystrophy. Also called: Inherited retinal dystrophy. Identifiers: Orphanet 71862, MedGen C0854723, MeSH D058499, MONDO:0019118, HP:0000556.
Severe early-childhood-onset retinal dystrophy (STGD1). Also called: MACULAR DYSTROPHY WITH FLECKS, TYPE 1; STGD; Stargardt disease 1; Stargardt macular dystrophy; Juvenile onset macular degeneration. Identifiers: Orphanet 364055, Orphanet 827, MedGen C1855465, MeSH D000080362, MONDO:0009549, OMIM 248200.

Allele frequency attached by ClinVar (database versions not stated): gnomAD 0.00023 and 0.00024; ESP Exome Variant Server 0.00031; gnomAD exomes 0.00022 and 0.00043; TOPMed 0.00025; ExAC 0.00031.
gnomAD v4.1: 392 of 1,614,066 alleles (0.024%); highest among the groups gnomAD compares: South Asian, 0.0088%; 3 homozygotes.

Submissions (10):

Labcorp Genetics (formerly Invitae), Labcorp
Classification: Benign. Last evaluated: 2026-01-25. Review status: criteria provided, single submitter. Criteria: Invitae Variant Classification Sherloc (09022015). Collection method: clinical testing. Allele origin: germline.

Blueprint Genetics
Classification: Uncertain significance. Last evaluated: 2024-10-01. Review status: criteria provided, single submitter. Criteria: ACMG Guidelines, 2015. Collection method: clinical testing. Allele origin: germline.

Women's Health and Genetics/Laboratory Corporation of America, LabCorp
Classification: Uncertain significance. Last evaluated: 2023-06-12. Review status: criteria provided, single submitter. Criteria: LabCorp Variant Classification Summary - May 2015. Collection method: clinical testing. Allele origin: germline.
Comment: Variant summary: ABCA4 c.3758C>T (p.Thr1253Met) results in a non-conservative amino acid change in the encoded protein sequence. Four of five in-silico tools predict a damaging effect of the variant on protein function. The variant allele was found at a frequency of 0.00043 in 251346 control chromosomes in the gnomAD database, including 1 homozygote. This frequency is not significantly higher than estimated for a pathogenic variant in ABCA4 causing Retinitis Pigmentosa (0.00043 vs 0.0014), allowing no conclusion about variant significance. c.3758C>T has been reported in the literature as a non-informative genotype in cis with a different variant in the ABCA4 gene in cohorts with multifactorial age-related macular degeneration (AMD); bulls-eye maculopathy; inherited retinal disease and/or Stargardt disease (example, Shroyer_2001, Michaelides_2007, Zampaglione_2020, Sciezynska_2016). These report(s) do not provide unequivocal conclusions about association of the variant with Retinitis Pigmentosa or ABCA4-related opthalmological disorders. To our knowledge, no experimental evidence demonstrating an impact on protein function has been reported. The following publications have been ascertained in the context of this evaluation (PMID: 18024811, 26593885, 11726554, 32037395). Six clinical diagnostic laboratories have submitted clinical-significance assessments for this variant to ClinVar after 2014 without evidence for independent evaluation. Multiple laboratories reported the variant with conflicting assessments (benign/likely benign, n=2; VUS, n=3). Based on the evidence outlined above, the variant was classified as VUS-possibly benign.

GeneDx
Classification: Likely benign. Last evaluated: 2021-02-01. Review status: criteria provided, single submitter. Criteria: GeneDx Variant Classification Process June 2021. Collection method: clinical testing. Allele origin: germline. Affected: yes.
Comment: This variant is associated with the following publications: (PMID: 25082829, 11726554, 26593885, 22661473, 23755871, 11385708, 19217903, 22076985, 28118664, 29925512, 31589614)

Illumina Laboratory Services, Illumina
Classification: Uncertain significance for ABCA4-Related Disorders. Last evaluated: 2017-04-27. Review status: criteria provided, single submitter. Criteria: ICSL Variant Classification Criteria 13 December 2019. Collection method: clinical testing. Allele origin: germline.
Comment: This variant was observed as part of a predisposition screen in an ostensibly healthy population. A literature search was performed for the gene, cDNA change, and amino acid change (where applicable). Publications were found based on this search. However, the evidence from the literature, in combination with allele frequency data from public databases where available, was not sufficient to rule this variant in or out of causing disease. Therefore, this variant is classified as a variant of unknown significance.

Institute of Human Genetics, Univ. Regensburg, Univ. Regensburg
Classification: Uncertain significance for Retinal dystrophy. Last evaluated: 2011-01-01. Review status: criteria provided, single submitter. Criteria: ACMG Guidelines, 2015. Collection method: clinical testing. Allele origin: germline. Affected: yes.

PreventionGenetics, part of Exact Sciences
Classification: Likely benign for ABCA4-related condition. Last evaluated: 2021-06-30. Review status: no assertion criteria provided. Collection method: clinical testing. Allele origin: germline. Not counted in ClinVar's aggregate classification.
Comment: This variant is classified as likely benign based on ACMG/AMP sequence variant interpretation guidelines (Richards et al. 2015 PMID: 25741868, with internal and published modifications).

Reproductive Health Research and Development, BGI Genomics
Classification: Uncertain significance for Severe early-childhood-onset retinal dystrophy. Last evaluated: 2020-01-06. Review status: no assertion criteria provided. Collection method: curation. Allele origin: germline. Not counted in ClinVar's aggregate classification.
Comment: NM_000350.2:c.3758C>T in the ABCA4 gene has an allele frequency of 0.009 in Ashkenazi Jewish subpopulation in the gnomAD database. This variant has been reported previously in individuals with fundus flavimaculatus or retinal disorders (PMID: 11385708, 23755871). Riveiro-Alvarez reported a patient with autosomal recessive Retinal Dystrophies habors c.[3758C>T; 5582G>A];[3943C>T] (PMID: 23755871). In addition, Cella et al. reported T1253M compound heterozygous with G1961E in a bull's eye maculopathy patient (PMID: 19217903). Pathogenic computational verdict because pathogenic predictions from DANN, DEOGEN2, EIGEN, FATHMM-MKL, M-CAP, MVP, MutationAssessor, MutationTaster, REVEL and SIFT. We interpret it as variant of uncertain significance (VUS). ACMG/AMP criteria applied: PM3; PP3, PP4.

Department of Pathology and Laboratory Medicine, Sinai Health System
Classification: Uncertain significance. Review status: no assertion criteria provided. Collection method: clinical testing. Allele origin: unknown. Affected: yes. Study: The Canadian Open Genetics Repository (COGR). Not counted in ClinVar's aggregate classification.
Comment: The ABCA4 p.Thr1253Met variant was identified in 6 of 1414 proband chromosomes (frequency: 0.0042) from individuals or families with ABCA4-related conditions (Stargardt disease 1, autosomal recessive retinitis pigmentosa, cone-rod dystrophy), however this variant has often been found in cis with the pathogenic p.G1961E variant, therefore it is unclear how this variant contributes to disease (Burke_2012_PMID:22661473; Shroyer_2001_PMID:11726554; Rosenberg_2007_PMID:17982420; Valverde_2005_PMID:16917483; Cella_2009_PMID:19217903; Riveiro-Alvarez_2013_PMID:23755871). The variant was identified in dbSNP (ID: rs61752424) and ClinVar (classified as likely benign by GeneDx, likely pathogenic by Institute of Human Genetics University Regensburg for Stargardt disease 1 and uncertain significance by Reproductive Health Research and Development BGI Genomics). The variant was identified in control databases in 113 of 282758 chromosomes (1 homozygous) at a frequency of 0.0003996 increasing the likelihood this could be a low frequency benign variant (Genome Aggregation Database March 6, 2019, v2.1.1). The variant was observed in the following populations: Ashkenazi Jewish in 93 of 10358 chromosomes (freq: 0.008979), European (non-Finnish) in 18 of 129090 chromosomes (freq: 0.000139) and South Asian in 2 of 30614 chromosomes (freq: 0.000065), but was not observed in the African, Latino, East Asian, European (Finnish), or Other populations. The p.Thr1253 residue is conserved across mammals and other organisms, and computational analyses (PolyPhen-2, SIFT, AlignGVGD, BLOSUM, MutationTaster) suggest that the variant may impact the protein; however, this information is not predictive enough to assume pathogenicity. The variant occurs outside of the splicing consensus sequence and in silico or computational prediction software programs (SpliceSiteFinder, MaxEntScan, NNSPLICE, GeneSplicer) do not predict a difference in splicing. In summary, based on the above information the clinical significance of this variant cannot be determined with certainty at this time. This variant is classified as a variant of uncertain significance.

Retina International
No classification provided. Review status: no classification provided. Collection method: not provided. Allele origin: unknown. Not counted in ClinVar's aggregate classification.

Literature cited by the submitters: PubMed 32037395 (cited by Women's Health and Genetics/Laboratory Corporation of America, LabCorp and Institute of Human Genetics, Univ. Regensburg, Univ. Regensburg); PubMed 11726554 (cited by Women's Health and Genetics/Laboratory Corporation of America, LabCorp and Illumina Laboratory Services, Illumina); PubMed 18024811 (cited by Women's Health and Genetics/Laboratory Corporation of America, LabCorp); PubMed 26593885 (cited by Women's Health and Genetics/Laboratory Corporation of America, LabCorp and Institute of Human Genetics, Univ. Regensburg, Univ. Regensburg); PubMed 11385708 (cited by Illumina Laboratory Services, Illumina and Institute of Human Genetics, Univ. Regensburg, Univ. Regensburg); PubMed 19217903 (cited by Illumina Laboratory Services, Illumina and Institute of Human Genetics, Univ. Regensburg, Univ. Regensburg); PubMed 22661473 (cited by Illumina Laboratory Services, Illumina); PubMed 22076985 (cited by Illumina Laboratory Services, Illumina); PubMed 21873672 (cited by Illumina Laboratory Services, Illumina); PubMed 23755871 (cited by Institute of Human Genetics, Univ. Regensburg, Univ. Regensburg); PubMed 28118664 (cited by Institute of Human Genetics, Univ. Regensburg, Univ. Regensburg); PubMed 31589614 (cited by Institute of Human Genetics, Univ. Regensburg, Univ. Regensburg).

NM_000350.3(ABCA4):c.3758C>T (p.Thr1253Met)

Genes: ABCA4 (ATP binding cassette subfamily A member 4; minus strand), LOC126805794 (BRD4-independent group 4 enhancer GRCh37_chr1:94502188-94503387; plus strand). Cytogenetic location: 1p22.1.
Variant type: single nucleotide variant.
Coding change: c.3758C>T on transcript NM_000350.3 (MANE Select); coding-DNA position 3758, C replaced by T.
Protein change: p.Thr1253Met; replaces threonine 1253 with methionine.
Molecular consequence: missense variant.
Genome position (GRCh38, 1-based): chr1:94,037,200, G>A on the plus strand (C>T on the coding strand, the complement: ABCA4 is on the minus strand). VCF-style: chr1-94037200-G-A. GRCh37 (hg19) VCF-style: chr1-94502756-G-A.
Other names: c.3536C>T, p.Thr1179Met (NM_001425324.1); short protein forms T1253M, T1179M.
Identifiers: ClinVar variation 99239 (VCV000099239.21), dbSNP rs61752424, ClinGen allele CA227135.